The following is an entry in ClinVar:

ClinVar aggregate classification (germline): Uncertain significance (1 of 4 stars; one submission).

Conditions:
Lipoic acid synthetase deficiency. Also called: HYPERGLYCINEMIA, LACTIC ACIDOSIS, AND SEIZURES. Identifiers: Orphanet 401859, MedGen C3280887, MONDO:0013762, OMIM 614462.

Submission:

Labcorp Genetics (formerly Invitae), Labcorp
Classification: Uncertain significance for Lipoic acid synthetase deficiency. Last evaluated: 2018-10-16. Review status: criteria provided, single submitter. Criteria: Invitae Variant Classification Sherloc (09022015). Collection method: clinical testing. Allele origin: germline.
Comment: In summary, the available evidence is currently insufficient to determine the role of this variant in disease. Therefore, it has been classified as a Variant of Uncertain Significance. Algorithms developed to predict the effect of missense changes on protein structure and function (SIFT, PolyPhen-2, Align-GVGD) all suggest that this variant is likely to be tolerated, but these predictions have not been confirmed by published functional studies and their clinical significance is uncertain. This variant has not been reported in the literature in individuals with LIAS-related disease. This variant is not present in population databases (ExAC no frequency). This sequence change replaces isoleucine with leucine at codon 278 of the LIAS protein (p.Ile278Leu). The isoleucine residue is highly conserved and there is a small physicochemical difference between isoleucine and leucine.

NM_006859.4(LIAS):c.832A>C (p.Ile278Leu)

Gene: LIAS (lipoic acid synthetase; plus strand). Cytogenetic location: 4p14.
Variant type: single nucleotide variant.
Coding change: c.832A>C on transcript NM_006859.4 (MANE Select); coding-DNA position 832, A replaced by C.
Protein change: p.Ile278Leu; replaces isoleucine 278 with leucine.
Molecular consequence: missense variant.
Genome position (GRCh38, 1-based): chr4:39,470,113, A>C. VCF-style: chr4-39470113-A-C. GRCh37 (hg19) VCF-style: chr4-39471733-A-C.
Other names: c.703A>C, p.Ile235Leu (NM_001278590.2); c.523A>C, p.Ile175Leu (NM_001363700.2); c.832A>C, p.Ile278Leu (NM_194451.3); short protein forms I175L, I235L, I278L.
Identifiers: ClinVar variation 650553 (VCV000650553.8), dbSNP rs528498907, ClinGen allele CA356665322.
Genomic context (GRCh38, chr4:39,470,113, plus strand): 5'-TCCCTACGTGTACTGAAACATGCCAAGAAGGTTCAGCCTGATGTTATTTCTAAAACATCT[A>C]TAATGTTGGGTTTAGGCGAGAATGATGAGCAAGTATATGCAACAATGAAAGGTAAAGAAA-3'
Protein context (NP_006850.2, residues 268-288): VQPDVISKTS[Ile278Leu]MLGLGENDEQ